The following is an entry in ClinVar:

ClinVar aggregate classification (germline): Benign/Likely benign. Review status: criteria provided, multiple submitters, no conflicts (2 of 4 stars). 8 submissions from 8 submitters: Benign (5); Likely benign (1). 2 of the submissions do not count toward it. Last evaluated 2026-02-04.

Conditions:
Sucrase-isomaltase deficiency (CSID). Also called: Congenital sucrose isomaltose malabsorption; Sucrose isomaltose enzyme deficiency; SI DEFICIENCY; Deficiency of isomaltase. Identifiers: Orphanet 35122, MedGen C1283620, MONDO:0009114, OMIM 222900.

Allele frequency attached by ClinVar (database versions not stated): gnomAD exomes 0.90577 and 0.90886; 1000 Genomes Project 30x 0.90818; 1000 Genomes Project 0.90974; ExAC 0.91058; TOPMed 0.91384; gnomAD 0.92065 and 0.92178; ESP Exome Variant Server 0.92227.

Submissions (8):

Labcorp Genetics (formerly Invitae), Labcorp
Classification: Benign. Last evaluated: 2026-02-04. Review status: criteria provided, single submitter. Criteria: Invitae Variant Classification Sherloc (09022015). Collection method: clinical testing. Allele origin: germline.

Blueprint Genetics
Classification: Likely benign. Last evaluated: 2024-11-26. Review status: criteria provided, single submitter. Criteria: ACMG Guidelines, 2015. Collection method: clinical testing. Allele origin: germline.

Mayo Clinic Laboratories, Mayo Clinic
Classification: Benign. Last evaluated: 2022-09-06. Review status: criteria provided, single submitter. Criteria: ACMG Guidelines, 2015. Collection method: clinical testing. Allele origin: germline. Observed: 94 variant alleles.

Genome-Nilou Lab
Classification: Benign for Sucrase-isomaltase deficiency. Last evaluated: 2021-07-15. Review status: criteria provided, single submitter. Criteria: ACMG Guidelines, 2015. Collection method: clinical testing. Allele origin: germline. Affected: no.

Illumina Laboratory Services, Illumina
Classification: Benign for Sucrase-isomaltase deficiency. Last evaluated: 2018-01-13. Review status: criteria provided, single submitter. Criteria: ICSL Variant Classification Criteria 13 December 2019. Collection method: clinical testing. Allele origin: germline.
Comment: This variant was observed in the ICSL laboratory as part of a predisposition screen in an ostensibly healthy population. It had not been previously curated by ICSL or reported in the Human Gene Mutation Database (HGMD: prior to June 1st, 2018), and was therefore a candidate for classification through an automated scoring system. Utilizing variant allele frequency, disease prevalence and penetrance estimates, and inheritance mode, an automated score was calculated to assess if this variant is too frequent to cause the disease. Based on the score and internal cut-off values, a variant classified as benign is not then subjected to further curation. The score for this variant resulted in a classification of benign for this disease.

Breakthrough Genomics
Classification: Benign. Review status: criteria provided, single submitter. Criteria: ACMG Guidelines, 2015. Collection method: not provided. Allele origin: germline. Inheritance: Autosomal recessive inheritance. Affected: yes.

Diagnostic Laboratory, Department of Genetics, University Medical Center Groningen
Classification: Benign. Review status: no assertion criteria provided. Collection method: clinical testing. Allele origin: germline. Affected: yes. Study: VKGL Data-share Consensus. Not counted in ClinVar's aggregate classification.

Joint Genome Diagnostic Labs from Nijmegen and Maastricht, Radboudumc and MUMC+
Classification: Benign. Review status: no assertion criteria provided. Collection method: clinical testing. Allele origin: germline. Affected: yes. Study: VKGL Data-share Consensus. Not counted in ClinVar's aggregate classification.

NM_001041.4(SI):c.4569G>A (p.Met1523Ile)

Gene: SI (sucrase-isomaltase; minus strand). Cytogenetic location: 3q26.1.
Variant type: single nucleotide variant.
Coding change: c.4569G>A on transcript NM_001041.4 (MANE Select); coding-DNA position 4569, G replaced by A.
Protein change: p.Met1523Ile; replaces methionine 1523 with isoleucine.
Molecular consequence: missense variant.
Genome position (GRCh38, 1-based): chr3:164,996,744, C>T on the plus strand (G>A on the coding strand, the complement: SI is on the minus strand). VCF-style: chr3-164996744-C-T. GRCh37 (hg19) VCF-style: chr3-164714532-C-T.
Other names: short protein forms M1523I.
Identifiers: ClinVar variation 344010 (VCV000344010.23), dbSNP rs4855271, ClinGen allele CA2689874.